The following is an entry in ClinVar:

NM_000376.3(VDR):c.1085C>T (p.Thr362Ile)

Gene: VDR (vitamin D receptor; minus strand). Cytogenetic location: 12q13.11.
Variant type: single nucleotide variant.
Coding change: c.1085C>T on transcript NM_000376.3 (MANE Select); coding-DNA position 1085, C replaced by T.
Protein change: p.Thr362Ile; replaces threonine 362 with isoleucine.
Molecular consequence: missense variant.
Genome position (GRCh38, 1-based): chr12:47,844,945, G>A on the plus strand (C>T on the coding strand, the complement: VDR is on the minus strand). VCF-style: chr12-47844945-G-A. GRCh37 (hg19) VCF-style: chr12-48238728-G-A.
Other names: c.1085C>T, p.Thr362Ile (NM_001017535.2, NM_001364085.2, NM_001374661.1 and 1 more transcripts); c.1235C>T, p.Thr412Ile (NM_001017536.2); short protein forms T412I, T362I.
Identifiers: ClinVar variation 754732 (VCV000754732.15), dbSNP rs11574115, ClinGen allele CA6533756.
Genomic context (GRCh38, chr12:47,844,945, plus strand): 5'-TTGGCATAGAGCAGGTGGCTGCCCGGGGGCGGGTGGCGGCAGCGGATGTACGTCTGCAGT[G>A]TGTTGGACAGGCGGTCCTGGATGGCCTCAATCAGCGCGGCGTCCTGCACCCCAGGACGAT-3'
Protein context (NP_000367.1, residues 352-372): IEAIQDRLSN[Thr362Ile]LQTYIRCRHP

ClinVar aggregate classification (germline): Conflicting classifications of pathogenicity. Review status: criteria provided, conflicting classifications (1 of 4 stars). 4 submissions from 4 submitters: Uncertain significance (2); Benign (2). Last evaluated 2026-10-01.

Conditions:
Vitamin D-dependent rickets type II with alopecia (VDDR2A). Also called: GENERALIZED RESISTANCE TO 1,25-DIHYDROXYVITAMIN D; HYPOCALCEMIC VITAMIN D-RESISTANT RICKETS; Vitamin D-dependent rickets, type 2A; PDDR IIA; PSEUDOVITAMIN D-DEFICIENCY, TYPE IIA; RICKETS, HEREDITARY VITAMIN D-RESISTANT. Identifiers: Orphanet 93160, MedGen C0342646, MONDO:0010186, OMIM 277440.

Allele frequency attached by ClinVar (database versions not stated): gnomAD exomes 0.00038 and 0.00013; gnomAD 0.00159 and 0.00155; 1000 Genomes Project 30x 0.00297; TOPMed 0.00164; 1000 Genomes Project 0.00260; ExAC 0.00045; ESP Exome Variant Server 0.00161.
gnomAD v4.1: 437 of 1,614,050 alleles (0.027%); highest among the groups gnomAD compares: African/African-American, 0.53%; 2 homozygotes.

Submissions (4):

GeneDx
Classification: Uncertain significance. Last evaluated: 2026-10-01. Review status: criteria provided, single submitter. Criteria: GeneDx Variant Classification Process June 2021. Collection method: clinical testing. Allele origin: germline.
Comment: In silico analysis supports that this missense variant has a deleterious effect on protein structure/function; Has not been previously published as pathogenic or benign to our knowledge; This variant is associated with the following publications: (PMID: 21168462, Hwang2009[article])

Labcorp Genetics (formerly Invitae), Labcorp
Classification: Benign. Last evaluated: 2026-01-26. Review status: criteria provided, single submitter. Criteria: Invitae Variant Classification Sherloc (09022015). Collection method: clinical testing. Allele origin: germline.

Women's Health and Genetics/Laboratory Corporation of America, LabCorp
Classification: Benign. Last evaluated: 2025-01-24. Review status: criteria provided, single submitter. Criteria: LabCorp Variant Classification Summary - May 2015. Collection method: clinical testing. Allele origin: germline.
Comment: Variant summary: VDR c.1085C>T (p.Thr362Ile) results in a non-conservative amino acid change located in the nuclear hormone receptor, ligand-binding domain (IPR000536) of the encoded protein sequence. Three of five in-silico tools predict a damaging effect of the variant on protein function. The variant allele was found at a frequency of 0.00027 in 1614050 control chromosomes, predominantly at a frequency of 0.0053 within the African or African-American subpopulation in the gnomAD database, including 2 homozygotes. The observed variant frequency within African or African-American control individuals in the gnomAD database (v4) exceeds the estimated maximal expected allele frequency for a pathogenic variant in VDR causing Vitamin D-Dependent Rickets Type II With Alopecia phenotype. To our knowledge, no occurrence of c.1085C>T in individuals affected with Vitamin D-Dependent Rickets Type II With Alopecia and no experimental evidence demonstrating its impact on protein function have been reported. ClinVar contains an entry for this variant (Variation ID: 754732). Based on the evidence outlined above, the variant was classified as benign.

Illumina Laboratory Services, Illumina
Classification: Uncertain significance for Vitamin D-dependent rickets type II with alopecia. Last evaluated: 2017-04-27. Review status: criteria provided, single submitter. Criteria: ICSL Variant Classification Criteria 13 December 2019. Collection method: clinical testing. Allele origin: germline.
Comment: This variant was observed as part of a predisposition screen in an ostensibly healthy population. A literature search was performed for the gene, cDNA change, and amino acid change (where applicable). Publications were found based on this search. However, the evidence from the literature, in combination with allele frequency data from public databases where available, was not sufficient to rule this variant in or out of causing disease. Therefore, this variant is classified as a variant of unknown significance.

Literature cited by the submitters: PubMed 21168462 (cited by Illumina Laboratory Services, Illumina).